The following is an entry in ClinVar:

NM_007194.3(CHEK2):c.909-?_1095+?del

Gene: CHEK2 (checkpoint kinase 2; minus strand). Cytogenetic location: 22q12.1.
Variant type: Deletion.
Coding change: c.909-?_1095+?del on transcript NM_007194.3.
Identifiers: ClinVar variation 216099 (VCV000216099.4).

ClinVar aggregate classification (germline): Pathogenic. Review status: criteria provided, multiple submitters, no conflicts (2 of 4 stars). 2 submissions from 2 submitters: Pathogenic (2). Last evaluated 2017-01-12.

Conditions:
Breast and colorectal cancer, susceptibility to. Also called: HBCC, susceptibility to. Identifiers: MedGen CN068920.
Familial cancer of breast. Also called: Hereditary breast cancer; BREAST CANCER, FAMILIAL; hereditary breast carcinoma. Identifiers: Orphanet 227535, MedGen C0346153, MONDO:0016419, OMIM 114480. Disease mechanism: loss of function.

Submissions (2):

Labcorp Genetics (formerly Invitae), Labcorp
Classification: Pathogenic for Familial cancer of breast. Last evaluated: 2017-01-12. Review status: criteria provided, single submitter. Criteria: Invitae Variant Classification Sherloc (09022015). Collection method: clinical testing. Allele origin: germline.
Comment: This variant is a gross deletion of the genomic region encompassing exons 9 and 10 of the CHEK2 gene. This creates a premature translational stop signal and is expected to result in an absent or disrupted protein product. Loss-of-function variants in CHEK2 are known to be pathogenic. Deletions of exons 9-10 have been reported in individuals from Slavic populations with breast cancer, prostate cancer, thyroid cancer, and thrombocythemia (PMID: 16551709, 16897426, 19030985, 21876083, 25583358, 17085682, 22058216). In the literature, these deletions have also been described as del5395, which removes 5,395 base pairs including exons 9 and 10. However, whether or not this gross deletion is the same as del5395 has not been determined by the current assay. In a large case-control study including 4,454 breast cancer cases and 5,496 control individuals from Poland, the del5395 deletion was reported to be associated with a 2-fold increased risk (OR=2.0, 95% CI: 1.2-3.4) of breast cancer in women, independent of the age of onset (PMID: 16897426). The risk of breast cancer is higher in women with a family history, although the odds ratio specific for del5395 was not indicated (PMID: 21876083). For these reasons, this variant has been classified as Pathogenic.

University of Washington Department of Laboratory Medicine, University of Washington
Classification: Pathogenic for Breast and colorectal cancer, susceptibility to. Last evaluated: 2015-11-20. Review status: criteria provided, single submitter. Criteria: Shirts et al. (Genet Med 2016). Collection method: clinical testing. Allele origin: germline. Affected: yes. Observed: 1 variant allele.